The following is an entry in ClinVar:

ClinVar aggregate classification (germline): Uncertain significance (1 of 4 stars; one submission).

gnomAD v4.1: 1 of 1,590,778 alleles (0.000063%); highest among the groups gnomAD compares: East Asian, 0.0022%; no homozygotes.

Submission:

Ambry Genetics
Classification: Uncertain significance. Last evaluated: 2025-08-10. Review status: criteria provided, single submitter. Criteria: Ambry Variant Classification Scheme 2023. Collection method: clinical testing. Allele origin: germline.
Comment: The p.P576S variant (also known as c.1726C>T), located in coding exon 8 of the RNF43 gene, results from a C to T substitution at nucleotide position 1726. The proline at codon 576 is replaced by serine, an amino acid with similar properties. This amino acid position is conserved. In addition, this alteration is predicted to be tolerated by in silico analysis. Based on the available evidence, the clinical significance of this variant remains unclear.

NM_017763.6(RNF43):c.1726C>T (p.Pro576Ser)

Gene: RNF43 (ring finger protein 43; minus strand). Cytogenetic location: 17q22.
Variant type: single nucleotide variant.
Coding change: c.1726C>T on transcript NM_017763.6 (MANE Select); coding-DNA position 1726, C replaced by T.
Protein change: p.Pro576Ser; replaces proline 576 with serine.
Molecular consequence: missense variant.
Genome position (GRCh38, 1-based): chr17:58,358,050, G>A on the plus strand (C>T on the coding strand, the complement: RNF43 is on the minus strand). VCF-style: chr17-58358050-G-A. GRCh37 (hg19) VCF-style: chr17-56435411-G-A.
Other names: c.1726C>T, p.Pro576Ser (NM_001305544.3, NM_001438820.1, NM_001438821.1 and 1 more transcripts); c.1345C>T, p.Pro449Ser (NM_001305545.2, NM_001437987.1); short protein forms P576S, P449S.
Identifiers: ClinVar variation 4155776 (VCV004155776.1).